The following is an entry in ClinVar:

ClinVar aggregate classification (germline): Uncertain significance (1 of 4 stars; one submission).

Allele frequency attached by ClinVar (database versions not stated): gnomAD exomes below 0.00001; ExAC 0.00001.
gnomAD v4.1: 2 of 1,614,194 alleles (0.00012%); highest among the groups gnomAD compares: Non-Finnish European, 0.00017%; no homozygotes.

Submission:

Labcorp Genetics (formerly Invitae), Labcorp
Classification: Uncertain significance. Last evaluated: 2021-06-21. Review status: criteria provided, single submitter. Criteria: Invitae Variant Classification Sherloc (09022015). Collection method: clinical testing. Allele origin: germline.
Comment: In summary, the available evidence is currently insufficient to determine the role of this variant in disease. Therefore, it has been classified as a Variant of Uncertain Significance. Algorithms developed to predict the effect of missense changes on protein structure and function are either unavailable or do not agree on the potential impact of this missense change (SIFT: "Deleterious"; PolyPhen-2: "Possibly Damaging"; Align-GVGD: "Class C0"). This variant has not been reported in the literature in individuals with MAP3K8-related conditions. This variant is present in population databases (rs745430402, ExAC 0.001%). This sequence change replaces leucine with valine at codon 388 of the MAP3K8 protein (p.Leu388Val). The leucine residue is moderately conserved and there is a small physicochemical difference between leucine and valine.

NM_005204.4(MAP3K8):c.1162C>G (p.Leu388Val)

Gene: MAP3K8 (mitogen-activated protein kinase kinase kinase 8; plus strand). Cytogenetic location: 10p11.23.
Variant type: single nucleotide variant.
Coding change: c.1162C>G on transcript NM_005204.4 (MANE Select); coding-DNA position 1162, C replaced by G.
Protein change: p.Leu388Val; replaces leucine 388 with valine.
Molecular consequence: missense variant.
Genome position (GRCh38, 1-based): chr10:30,459,390, C>G. VCF-style: chr10-30459390-C-G. GRCh37 (hg19) VCF-style: chr10-30748319-C-G.
Other names: c.1162C>G, p.Leu388Val (NM_001244134.1, NM_001320961.2); short protein forms L388V.
Identifiers: ClinVar variation 1465337 (VCV001465337.8), dbSNP rs745430402, ClinGen allele CA5459869.